The following is an entry in ClinVar:

NM_001177693.2(ARHGEF28):c.2789G>A (p.Arg930Gln)

Gene: ARHGEF28 (Rho guanine nucleotide exchange factor 28; plus strand). Cytogenetic location: 5q13.2.
Variant type: single nucleotide variant.
Coding change: c.2789G>A on transcript NM_001177693.2 (MANE Select); coding-DNA position 2789, G replaced by A.
Protein change: p.Arg930Gln; replaces arginine 930 with glutamine.
Molecular consequence: missense variant.
Genome position (GRCh38, 1-based): chr5:73,873,221, G>A. VCF-style: chr5-73873221-G-A. GRCh37 (hg19) VCF-style: chr5-73169046-G-A.
Other names: c.2789G>A, p.Arg930Gln (NM_001080479.3, NM_001388078.1); c.1850G>A, p.Arg617Gln (NM_001244364.2); c.2495G>A, p.Arg832Gln (NM_001388076.1); short protein forms R617Q, R832Q, R930Q.
Identifiers: ClinVar variation 3357786 (VCV003357786.1).

ClinVar aggregate classification (germline): Likely benign (0 of 4 stars; one submission).

Conditions:
ARHGEF28-related disorder. Also called: ARHGEF28-related condition.

gnomAD v4.1: 72 of 1,610,802 alleles (0.0045%); highest among the groups gnomAD compares: African/African-American, 0.004%; no homozygotes.

Submission:

PreventionGenetics, part of Exact Sciences
Classification: Likely benign for ARHGEF28-related condition. Last evaluated: 2024-03-26. Review status: no assertion criteria provided. Collection method: clinical testing. Allele origin: germline.
Comment: This variant is classified as likely benign based on ACMG/AMP sequence variant interpretation guidelines (Richards et al. 2015 PMID: 25741868, with internal and published modifications).